The following is an entry in ClinVar:

ClinVar aggregate classification (germline): Likely benign (0 of 4 stars; one submission).

Conditions:
CFHR3-related disorder. Also called: CFHR3-related condition.

Allele frequency attached by ClinVar (database versions not stated): 1000 Genomes Project 0.00140; 1000 Genomes Project 30x 0.00328; ExAC 0.00003; gnomAD 0.00125.

Submission:

PreventionGenetics, part of Exact Sciences
Classification: Likely benign for CFHR3-related condition. Last evaluated: 2019-10-31. Review status: no assertion criteria provided. Collection method: clinical testing. Allele origin: germline.
Comment: This variant is classified as likely benign based on ACMG/AMP sequence variant interpretation guidelines (Richards et al. 2015 PMID: 25741868, with internal and published modifications).

NM_021023.6(CFHR3):c.58+5G>A

Gene: CFHR3 (complement factor H related 3; plus strand). Cytogenetic location: 1q31.3.
Variant type: single nucleotide variant.
Coding change: c.58+5G>A on transcript NM_021023.6 (MANE Select); 5 bases into the intron after coding-DNA position 58, G replaced by A.
Molecular consequence: intron variant.
Genome position (GRCh38, 1-based): chr1:196,774,949, G>A. VCF-style: chr1-196774949-G-A. GRCh37 (hg19) VCF-style: chr1-196744079-G-A.
Other names: c.58+5G>A (NM_001166624.2).
Identifiers: ClinVar variation 3044798 (VCV003044798.2), dbSNP rs533463305, ClinGen allele CA1306035.